The following is an entry in ClinVar:

ClinVar aggregate classification (germline): Pathogenic/Likely pathogenic. Review status: criteria provided, multiple submitters, no conflicts (2 of 4 stars). 8 submissions from 8 submitters: Pathogenic (2); Likely pathogenic (5). 1 of the submissions does not count toward it. Last evaluated 2025-11-11.

Conditions:
Inborn errors of metabolism. Also called: Inborn error of metabolism. Identifiers: Orphanet 68367, MedGen C0025521, MONDO:0019052.
Succinyl-CoA acetoacetate transferase deficiency (SCOTD). Also called: 3-Oxoacid CoA Transferase Deficiency; KETOACIDOSIS DUE TO SCOT DEFICIENCY; SCOT DEFICIENCY; SUCCINYL-CoA:3-KETOACID CoA-TRANSFERASE DEFICIENCY; Succinyl CoA:3-oxoacid CoA transferase deficiency. Identifiers: Orphanet 832, MedGen C0342792, MONDO:0009492, OMIM 245050.

Allele frequency attached by ClinVar (database versions not stated): gnomAD exomes below 0.00001 and 0.00001; TOPMed below 0.00001; gnomAD 0.00001.
gnomAD v4.1: 7 of 1,605,012 alleles (0.00044%); highest among the groups gnomAD compares: East Asian, 0.0022%; no homozygotes.

Submissions (8):

3billion
Classification: Pathogenic for Succinyl-CoA acetoacetate transferase deficiency. Last evaluated: 2025-11-11. Review status: criteria provided, single submitter. Criteria: ACMG Guidelines, 2015. Collection method: clinical testing. Allele origin: germline. Affected: yes.
Comment: The variant is observed at an extremely low frequency in the gnomAD v4.1.0 dataset (total allele frequency: <0.001%). Predicted Consequence/Location: Missense variant Functional studies provide moderate evidence of the variant having a damaging effect on the gene or gene product (PMID: 21296660). In silico tool predictions suggest damaging effect of the variant on gene or gene product [REVEL: 0.86 (>=0.6, sensitivity 0.68 and specificity 0.92)]. The same nucleotide change resulting in the same amino acid change has been previously reported as pathogenic/likely pathogenic with strong evidence (ClinVar ID: VCV000800772 /PMID: 21296660 /3billion dataset). The variant has been reported to be in trans with a pathogenic variant as either compound heterozygous or homozygous in at least one similarly affected unrelated individual (PMID: 21296660). A different missense change at the same codon (p.Arg468His) has been reported to be associated with OXCT1-related disorder (PMID: 33596448). Therefore, this variant is classified as Pathogenic according to the recommendation of ACMG/AMP guideline.

North West Genomic Laboratory Hub, Manchester University NHS Foundation Trust
Classification: Pathogenic for Inborn error of metabolism. Last evaluated: 2025-04-22. Review status: criteria provided, single submitter. Criteria: ACGS Best Practice Guidelines for Variant Classification in Rare Disease 2024. Collection method: clinical testing. Allele origin: germline. Affected: yes.
Comment: PM2_Mod PP4_Supp PP1_Str PP3_Supp PS3_Supp PM3_Mod

Genomic Medicine Center of Excellence, King Faisal Specialist Hospital and Research Centre
Classification: Likely pathogenic for Succinyl-CoA acetoacetate transferase deficiency. Last evaluated: 2024-03-17. Review status: criteria provided, single submitter. Criteria: ACMG Guidelines, 2015. Collection method: research. Allele origin: germline.

Centre of Medical Genetics, University Hospital Muenster
Classification: Likely pathogenic for Succinyl-CoA acetoacetate transferase deficiency. Last evaluated: 2022-04-08. Review status: criteria provided, single submitter. Criteria: ACMG Guidelines, 2015. Collection method: clinical testing. Allele origin: unknown. Affected: yes. Observed: 1 variant allele, 1 homozygote.
Comment: ACMG categories: PM1,PM2,PP3,PP5

AiLife Diagnostics
Classification: Likely pathogenic. Last evaluated: 2022-03-22. Review status: criteria provided, single submitter. Criteria: ACMG Guidelines, 2015. Collection method: clinical testing. Allele origin: germline. Affected: yes. Observed: 1 variant allele.

Revvity Omics, Revvity
Classification: Likely pathogenic for Succinyl-CoA acetoacetate transferase deficiency. Last evaluated: 2021-03-01. Review status: criteria provided, single submitter. Criteria: ACMG Guidelines, 2015. Collection method: clinical testing. Allele origin: germline.

Baylor Genetics
Classification: Likely pathogenic for Succinyl-CoA acetoacetate transferase deficiency. Last evaluated: 2020-06-03. Review status: criteria provided, single submitter. Criteria: ACMG Guidelines, 2015. Collection method: clinical testing. Allele origin: unknown. Affected: yes.
Comment: This variant was determined to be likely pathogenic according to ACMG Guidelines, 2015 [PMID:25741868].

Biochemical Molecular Genetic Laboratory, King Abdulaziz Medical City
Classification: Pathogenic for Succinyl-CoA acetoacetate transferase deficiency. Last evaluated: 2019-01-29. Review status: no assertion criteria provided. Collection method: clinical testing. Allele origin: germline. Affected: yes. Not counted in ClinVar's aggregate classification.

Literature cited by the submitters: PubMed 21296660 (cited by 3billion and AiLife Diagnostics); PubMed 33596448 (cited by 3billion); PubMed 23420214 (cited by AiLife Diagnostics); PubMed 28488182 (cited by AiLife Diagnostics).

NM_000436.4(OXCT1):c.1402C>T (p.Arg468Cys)

Gene: OXCT1 (3-oxoacid CoA-transferase 1; minus strand). Cytogenetic location: 5p13.1.
Variant type: single nucleotide variant.
Coding change: c.1402C>T on transcript NM_000436.4 (MANE Select); coding-DNA position 1402, C replaced by T.
Protein change: p.Arg468Cys; replaces arginine 468 with cysteine.
Molecular consequence: missense variant. On other transcripts: non-coding transcript variant (1).
Genome position (GRCh38, 1-based): chr5:41,749,544, G>A on the plus strand (C>T on the coding strand, the complement: OXCT1 is on the minus strand). VCF-style: chr5-41749544-G-A. GRCh37 (hg19) VCF-style: chr5-41749646-G-A.
Other names: c.1423C>T, p.Arg475Cys (NM_001364299.2, NM_001364300.2); c.1396C>T, p.Arg466Cys (NM_001364301.2); c.1312C>T, p.Arg438Cys (NM_001364302.2); c.844C>T, p.Arg282Cys (NM_001364303.2); short protein forms R438C, R475C, R282C, R466C, R468C.
Identifiers: ClinVar variation 800772 (VCV000800772.14), dbSNP rs1327401976, ClinGen allele CA359686079.
Genomic context (GRCh38, chr5:41,749,544, plus strand): 5'-TGCTTACTTAAAACATGGTAATAGTAGAAAAAGCACTTTTTACCTTTTCAGTAATAATGC[G>A]GTTGACACATTGCTTTCCAGTCAATGGTAATGTACATTTCTCCATGATTTTATGTGCATT-3'
Protein context (NP_000427.1, residues 458-478): LPLTGKQCVN[Arg468Cys]IITEKAVFDV